The following is an entry in ClinVar:

NM_016004.5(IFT52):c.814C>T (p.Arg272Trp)

Gene: IFT52 (intraflagellar transport 52; plus strand). Cytogenetic location: 20q13.12.
Variant type: single nucleotide variant.
Coding change: c.814C>T on transcript NM_016004.5 (MANE Select); coding-DNA position 814, C replaced by T.
Protein change: p.Arg272Trp; replaces arginine 272 with tryptophan.
Molecular consequence: missense variant.
Genome position (GRCh38, 1-based): chr20:43,623,936, C>T. VCF-style: chr20-43623936-C-T. GRCh37 (hg19) VCF-style: chr20-42252576-C-T.
Other names: c.814C>T, p.Arg272Trp (NM_001303458.3, NM_001303459.3); c.286C>T, p.Arg96Trp (NM_001323578.2, NM_001323580.2); c.163C>T, p.Arg55Trp (NM_001323579.2, NM_001323581.2); short protein forms R96W, R55W, R272W.
Identifiers: ClinVar variation 2140158 (VCV002140158.4), dbSNP rs367996857, ClinGen allele CA9867011.

ClinVar aggregate classification (germline): Uncertain significance (1 of 4 stars; one submission).

Allele frequency attached by ClinVar (database versions not stated): ExAC 0.00001; ESP Exome Variant Server 0.00008.
gnomAD v4.1: 19 of 1,614,030 alleles (0.0012%); highest among the groups gnomAD compares: African/African-American, 0.0053%; no homozygotes.

Submission:

Labcorp Genetics (formerly Invitae), Labcorp
Classification: Uncertain significance. Last evaluated: 2024-01-15. Review status: criteria provided, single submitter. Criteria: Invitae Variant Classification Sherloc (09022015). Collection method: clinical testing. Allele origin: germline.
Comment: This sequence change replaces arginine, which is basic and polar, with tryptophan, which is neutral and slightly polar, at codon 272 of the IFT52 protein (p.Arg272Trp). This variant is present in population databases (rs367996857, gnomAD 0.01%). This variant has not been reported in the literature in individuals affected with IFT52-related conditions. ClinVar contains an entry for this variant (Variation ID: 2140158). Advanced modeling of protein sequence and biophysical properties (such as structural, functional, and spatial information, amino acid conservation, physicochemical variation, residue mobility, and thermodynamic stability) performed at Invitae indicates that this missense variant is not expected to disrupt IFT52 protein function with a negative predictive value of 80%. In summary, the available evidence is currently insufficient to determine the role of this variant in disease. Therefore, it has been classified as a Variant of Uncertain Significance.